The following is an entry in ClinVar:

NM_001394998.1(TANC2):c.5952T>A (p.Ile1984=)

Gene: TANC2 (tetratricopeptide repeat, ankyrin repeat and coiled-coil containing 2; plus strand). Cytogenetic location: 17q23.3.
Variant type: single nucleotide variant.
Coding change: c.5952T>A on transcript NM_001394998.1 (MANE Select); coding-DNA position 5952, T replaced by A.
Protein change: p.Ile1984=; no amino-acid change (isoleucine 1984 retained).
Molecular consequence: synonymous variant.
Genome position (GRCh38, 1-based): chr17:63,421,682, T>A. VCF-style: chr17-63421682-T-A. GRCh37 (hg19) VCF-style: chr17-61499043-T-A.
Other names: c.5730T>A, p.Ile1910= (NM_001411076.1); c.5700T>A, p.Ile1900= (NM_025185.4).
Identifiers: ClinVar variation 4534223 (VCV004534223.7).

ClinVar aggregate classification (germline): Likely benign. Review status: criteria provided, multiple submitters, no conflicts (2 of 4 stars). 2 submissions from 2 submitters: Likely benign (2). Last evaluated 2025-10-01.

gnomAD v4.1: 323 of 1,614,022 alleles (0.02%); highest among the groups gnomAD compares: East Asian, 0.41%; 3 homozygotes.

Submissions (2):

CeGaT Center for Human Genetics Tuebingen
Classification: Likely benign. Last evaluated: 2025-10-01. Review status: criteria provided, single submitter. Criteria: CeGaT Center For Human Genetics Tuebingen Variant Classification Criteria Version 2. Collection method: clinical testing. Allele origin: germline. Affected: yes. Observed: 1 variant allele.
Comment: TANC2: BP4, BP7, BS1

Blueprint Genetics
Classification: Likely benign. Last evaluated: 2024-11-06. Review status: criteria provided, single submitter. Criteria: ACMG Guidelines, 2015. Collection method: clinical testing. Allele origin: germline.